The following is an entry in ClinVar:

NM_000540.3(RYR1):c.3016T>C (p.Tyr1006His)

Gene: RYR1 (ryanodine receptor 1; plus strand). Cytogenetic location: 19q13.2.
Variant type: single nucleotide variant.
Coding change: c.3016T>C on transcript NM_000540.3 (MANE Select); coding-DNA position 3016, T replaced by C.
Protein change: p.Tyr1006His; replaces tyrosine 1006 with histidine.
Molecular consequence: missense variant.
Genome position (GRCh38, 1-based): chr19:38,466,236, T>C. VCF-style: chr19-38466236-T-C. GRCh37 (hg19) VCF-style: chr19-38956876-T-C.
Other names: c.3016T>C, p.Tyr1006His (NM_001042723.2); short protein forms Y1006H.
Identifiers: ClinVar variation 3074233 (VCV003074233.2), dbSNP rs1968096523, ClinGen allele CA405635082.

ClinVar aggregate classification (germline): Uncertain significance. Review status: criteria provided, multiple submitters, no conflicts (2 of 4 stars). 2 submissions from 2 submitters: Uncertain significance (2). Last evaluated 2025-09-09.

Conditions:
Malignant hyperthermia, susceptibility to, 1 (MHS1). Also called: Anesthesia related hyperthermia; Malignant hyperpyrexia; Fulminating hyperpyrexia; Pharmacogenic myopathy; RYR1-Related Malignant Hyperthermia Susceptibility; Malignant hyperthermia suceptibility 1. Identifiers: Orphanet 423, MedGen C2930980, MONDO:0007783, OMIM 145600.
Inborn genetic diseases. Identifiers: MedGen C0950123, MeSH D030342.

Allele frequency attached by ClinVar (database versions not stated): gnomAD exomes below 0.00001; TOPMed below 0.00001.
gnomAD v4.1: 1 of 1,613,420 alleles (0.000062%); highest among the groups gnomAD compares: Non-Finnish European, 0.000085%; no homozygotes.

Submissions (2):

Ambry Genetics
Classification: Uncertain significance for Inborn genetic diseases. Last evaluated: 2025-09-09. Review status: criteria provided, single submitter. Criteria: Ambry Variant Classification Scheme 2023. Collection method: clinical testing. Allele origin: germline.

All of Us Research Program, National Institutes of Health
Classification: Uncertain significance for Malignant hyperthermia, susceptibility to, 1. Last evaluated: 2023-12-01. Review status: criteria provided, single submitter. Criteria: ACMG Guidelines, 2015. Collection method: clinical testing. Allele origin: germline. Inheritance: Autosomal dominant inheritance. Observed: 1 variant allele, 1 heterozygote.
Comment: This study involves interpretation of variants in research participants for the purpose of population health screening. Participant phenotype was not available at the time of variant classification. Additional details can be found in publication PMID: 35346344, PMCID: PMC8962531